The following is an entry in ClinVar:

NM_001458.5(FLNC):c.886G>T (p.Ala296Ser)

Gene: FLNC (filamin C; plus strand). Cytogenetic location: 7q32.1.
Variant type: single nucleotide variant.
Coding change: c.886G>T on transcript NM_001458.5 (MANE Select); coding-DNA position 886, G replaced by T.
Protein change: p.Ala296Ser; replaces alanine 296 with serine.
Molecular consequence: missense variant.
Genome position (GRCh38, 1-based): chr7:128,837,672, G>T. VCF-style: chr7-128837672-G-T. GRCh37 (hg19) VCF-style: chr7-128477726-G-T.
Other names: c.886G>T, p.Ala296Ser (NM_001127487.2); short protein forms A296S.
Identifiers: ClinVar variation 3763256 (VCV003763256.2).

ClinVar aggregate classification (germline): Uncertain significance (1 of 4 stars; one submission).

Conditions:
Hypertrophic cardiomyopathy 26. Also called: Cardiomyopathy, familial hypertrophic, 26. Identifiers: Orphanet 75249, MedGen C4310749, MONDO:0014883, OMIM 617047.
Myofibrillar myopathy 5. Also called: Filaminopathy (type); FILAMINOPATHY, AUTOSOMAL DOMINANT. Identifiers: Orphanet 171445, MedGen C1836050, MONDO:0012289, OMIM 609524.
Distal myopathy with posterior leg and anterior hand involvement. Also called: WILLIAMS DISTAL MYOPATHY. Identifiers: Orphanet 63273, MedGen C3279722, MONDO:0013550, OMIM 614065.

Submission:

Labcorp Genetics (formerly Invitae), Labcorp
Classification: Uncertain significance for Distal myopathy with posterior leg and anterior hand involvement; Myofibrillar myopathy 5; Hypertrophic cardiomyopathy 26. Last evaluated: 2024-05-16. Review status: criteria provided, single submitter. Criteria: Invitae Variant Classification Sherloc (09022015). Collection method: clinical testing. Allele origin: germline.
Comment: This sequence change replaces alanine, which is neutral and non-polar, with serine, which is neutral and polar, at codon 296 of the FLNC protein (p.Ala296Ser). This variant is not present in population databases (gnomAD no frequency). This variant has not been reported in the literature in individuals affected with FLNC-related conditions. Advanced modeling of protein sequence and biophysical properties (such as structural, functional, and spatial information, amino acid conservation, physicochemical variation, residue mobility, and thermodynamic stability) has been performed at Invitae for this missense variant, however the output from this modeling did not meet the statistical confidence thresholds required to predict the impact of this variant on FLNC protein function. In summary, the available evidence is currently insufficient to determine the role of this variant in disease. Therefore, it has been classified as a Variant of Uncertain Significance.